The following is an entry in ClinVar:

ClinVar aggregate classification (germline): Uncertain significance (1 of 4 stars; one submission).

Conditions:
Cardiovascular phenotype. Identifiers: MedGen CN230736.

Submission:

Ambry Genetics
Classification: Uncertain significance for Cardiovascular phenotype. Last evaluated: 2026-08-19. Review status: criteria provided, single submitter. Criteria: Ambry Variant Classification Scheme 2023. Collection method: clinical testing. Allele origin: germline.
Comment: The p.D116V variant (also known as c.347A>T), located in coding exon 3 of the ACVRL1 gene, results from an A to T substitution at nucleotide position 347. The aspartic acid at codon 116 is replaced by valine, an amino acid with highly dissimilar properties. This amino acid position is conserved. In addition, this alteration is predicted to be tolerated by in silico analysis. Based on the available evidence, the clinical significance of this variant remains unclear.

NM_000020.3(ACVRL1):c.347A>T (p.Asp116Val)

Gene: ACVRL1 (activin A receptor like type 1; plus strand). Cytogenetic location: 12q13.13.
Variant type: single nucleotide variant.
Coding change: c.347A>T on transcript NM_000020.3 (MANE Select); coding-DNA position 347, A replaced by T.
Protein change: p.Asp116Val; replaces aspartic acid 116 with valine.
Molecular consequence: missense variant. On other transcripts: intron variant (6).
Genome position (GRCh38, 1-based): chr12:51,913,592, A>T. VCF-style: chr12-51913592-A-T. GRCh37 (hg19) VCF-style: chr12-52307376-A-T.
Other names: c.347A>T, p.Asp116Val (NM_001077401.2, NM_001406487.1, NM_001406488.1 and 1 more transcripts); c.313+242A>T (NM_001406491.1, NM_001406490.1, NM_001406492.1 and 2 more transcripts); c.62-847A>T (NM_001406495.1); short protein forms D116V.
Identifiers: ClinVar variation 5032740 (VCV005032740.1).